The following is an entry in ClinVar:

ClinVar aggregate classification (germline): Likely benign (0 of 4 stars; one submission).

Conditions:
KYNU-related disorder. Also called: KYNU-related condition; KYNU-related disorders.

gnomAD v4.1: 48 of 1,613,628 alleles (0.003%); highest among the groups gnomAD compares: Non-Finnish European, 0.004%; no homozygotes.

Submission:

PreventionGenetics, part of Exact Sciences
Classification: Likely benign for KYNU-related condition. Last evaluated: 2024-04-02. Review status: no assertion criteria provided. Collection method: clinical testing. Allele origin: germline.
Comment: This variant is classified as likely benign based on ACMG/AMP sequence variant interpretation guidelines (Richards et al. 2015 PMID: 25741868, with internal and published modifications).

NM_003937.3(KYNU):c.-7A>T

Gene: KYNU (kynureninase; plus strand). Cytogenetic location: 2q22.2.
Variant type: single nucleotide variant.
Coding change: c.-7A>T on transcript NM_003937.3 (MANE Select); 7 bases upstream of the start codon, A replaced by T.
Molecular consequence: 5 prime UTR variant.
Genome position (GRCh38, 1-based): chr2:142,885,361, A>T. VCF-style: chr2-142885361-A-T. GRCh37 (hg19) VCF-style: chr2-143642930-A-T.
Other names: c.-7A>T (NM_001032998.2, NM_001199241.2).
Identifiers: ClinVar variation 3352866 (VCV003352866.1).